The following is an entry in ClinVar:

ClinVar aggregate classification (germline): Likely benign. Review status: criteria provided, multiple submitters, no conflicts (2 of 4 stars). 4 submissions from 4 submitters: Likely benign (3). 1 of the submissions does not count toward it. Last evaluated 2025-12-15.

Conditions:
Kabuki syndrome. Also called: Kabuki make-up syndrome; NIIKAWA-KUROKI SYNDROME. Identifiers: Orphanet 2322, MedGen C0796004, MONDO:0016512.
KMT2D-related disorder. Also called: KMT2D-Related Disorders.

Allele frequency attached by ClinVar (database versions not stated): gnomAD 0.00003 and 0.00004; gnomAD exomes 0.00005 and 0.00013; TOPMed 0.00009; ExAC 0.00018.
gnomAD v4.1: 82 of 1,613,398 alleles (0.0051%); highest among the groups gnomAD compares: Middle Eastern, 0.049%; 1 homozygote.

Submissions (4):

Labcorp Genetics (formerly Invitae), Labcorp
Classification: Likely benign for Kabuki syndrome. Last evaluated: 2025-12-15. Review status: criteria provided, single submitter. Criteria: Invitae Variant Classification Sherloc (09022015). Collection method: clinical testing. Allele origin: germline.

CeGaT Center for Human Genetics Tuebingen
Classification: Likely benign. Last evaluated: 2025-01-01. Review status: criteria provided, single submitter. Criteria: CeGaT Center For Human Genetics Tuebingen Variant Classification Criteria Version 2. Collection method: clinical testing. Allele origin: germline. Affected: yes. Observed: 1 variant allele.
Comment: KMT2D: BP4, BS2

Blueprint Genetics
Classification: Likely benign. Last evaluated: 2024-11-26. Review status: criteria provided, single submitter. Criteria: ACMG Guidelines, 2015. Collection method: clinical testing. Allele origin: germline.

PreventionGenetics, part of Exact Sciences
Classification: Likely benign for KMT2D-related condition. Last evaluated: 2021-08-04. Review status: no assertion criteria provided. Collection method: clinical testing. Allele origin: germline. Not counted in ClinVar's aggregate classification.
Comment: This variant is classified as likely benign based on ACMG/AMP sequence variant interpretation guidelines (Richards et al. 2015 PMID: 25741868, with internal and published modifications).

NM_003482.4(KMT2D):c.12137G>A (p.Gly4046Glu)

Gene: KMT2D (lysine methyltransferase 2D; minus strand). Cytogenetic location: 12q13.12.
Variant type: single nucleotide variant.
Coding change: c.12137G>A on transcript NM_003482.4 (MANE Select); coding-DNA position 12137, G replaced by A.
Protein change: p.Gly4046Glu; replaces glycine 4046 with glutamic acid.
Molecular consequence: missense variant.
Genome position (GRCh38, 1-based): chr12:49,032,568, C>T on the plus strand (G>A on the coding strand, the complement: KMT2D is on the minus strand). VCF-style: chr12-49032568-C-T. GRCh37 (hg19) VCF-style: chr12-49426351-C-T.
Other names: short protein forms G4046E.
Identifiers: ClinVar variation 951381 (VCV000951381.25), dbSNP rs750872313, ClinGen allele CA6546239.
Genomic context (GRCh38, chr12:49,032,568, plus strand): 5'-TTTACCTCTCCTGGTTCAGTGGCCATTGACTCAGGGGTAGTTCCTATTGCTAACGGCCCT[C>T]CCTGATGTGTAGAGGGCCCCTCAGTGGCCTCTGAAGAAACGGCTGGGTCTACGGTGTTTT-3'
Protein context (NP_003473.3, residues 4036-4056): EATEGPSTHQ[Gly4046Glu]GPLAIGTTPE